The following is an entry in ClinVar:

NM_006059.4(LAMC3):c.3593G>A (p.Arg1198Lys)

Gene: LAMC3 (laminin subunit gamma 3; plus strand). Cytogenetic location: 9q34.12.
Variant type: single nucleotide variant.
Coding change: c.3593G>A on transcript NM_006059.4 (MANE Select); coding-DNA position 3593, G replaced by A.
Protein change: p.Arg1198Lys; replaces arginine 1198 with lysine.
Molecular consequence: missense variant.
Genome position (GRCh38, 1-based): chr9:131,075,929, G>A. VCF-style: chr9-131075929-G-A. GRCh37 (hg19) VCF-style: chr9-133951316-G-A.
Other names: short protein forms R1198K.
Identifiers: ClinVar variation 1358528 (VCV001358528.8), dbSNP rs1239824189, ClinGen allele CA375260585.

ClinVar aggregate classification (germline): Uncertain significance (1 of 4 stars; one submission).

Allele frequency attached by ClinVar (database versions not stated): gnomAD exomes below 0.00001.
gnomAD v4.1: 1 of 1,610,724 alleles (0.000062%); highest among the groups gnomAD compares: Admixed American, 0.0017%; no homozygotes.

Submission:

Labcorp Genetics (formerly Invitae), Labcorp
Classification: Uncertain significance. Last evaluated: 2020-12-22. Review status: criteria provided, single submitter. Criteria: Invitae Variant Classification Sherloc (09022015). Collection method: clinical testing. Allele origin: germline.
Comment: Algorithms developed to predict the effect of missense changes on protein structure and function output the following: SIFT: "Tolerated"; PolyPhen-2: "Benign"; Align-GVGD: "Class C0". The lysine amino acid residue is found in multiple mammalian species, suggesting that this missense change does not adversely affect protein function. These predictions have not been confirmed by published functional studies and their clinical significance is uncertain. This variant has not been reported in the literature in individuals with LAMC3-related conditions. This variant is not present in population databases (ExAC no frequency). This sequence change replaces arginine with lysine at codon 1198 of the LAMC3 protein (p.Arg1198Lys). The arginine residue is moderately conserved and there is a small physicochemical difference between arginine and lysine. In summary, the available evidence is currently insufficient to determine the role of this variant in disease. Therefore, it has been classified as a Variant of Uncertain Significance.